The following is an entry in ClinVar:

ClinVar aggregate classification (germline): Uncertain significance. Review status: criteria provided, multiple submitters, no conflicts (2 of 4 stars). 2 submissions from 2 submitters: Uncertain significance (2). Last evaluated 2025-10-18.

Conditions:
Hereditary cancer-predisposing syndrome. Also called: Hereditary Cancer Syndrome; Hereditary neoplastic syndrome; Neoplastic Syndromes, Hereditary; Tumor predisposition. Identifiers: Orphanet 140162, MedGen C0027672, MeSH D009386, MONDO:0015356.
Familial cancer of breast. Also called: BREAST CANCER, FAMILIAL; Hereditary breast cancer; hereditary breast carcinoma. Identifiers: Orphanet 227535, MedGen C0346153, MONDO:0016419, OMIM 114480. Disease mechanism: loss of function.

Submissions (2):

Labcorp Genetics (formerly Invitae), Labcorp
Classification: Uncertain significance for Familial cancer of breast. Last evaluated: 2025-10-18. Review status: criteria provided, single submitter. Criteria: Invitae Variant Classification Sherloc (09022015). Collection method: clinical testing. Allele origin: germline.
Comment: This variant, c.209_211del, results in the deletion of 1 amino acid(s) of the BARD1 protein (p.Phe70del), but otherwise preserves the integrity of the reading frame. This variant is not present in population databases (gnomAD no frequency). This variant has not been reported in the literature in individuals affected with BARD1-related conditions. In summary, the available evidence is currently insufficient to determine the role of this variant in disease. Therefore, it has been classified as a Variant of Uncertain Significance.

Ambry Genetics
Classification: Uncertain significance for Hereditary cancer-predisposing syndrome. Last evaluated: 2023-03-06. Review status: criteria provided, single submitter. Criteria: Ambry Variant Classification Scheme 2023. Collection method: clinical testing. Allele origin: germline.
Comment: The c.209_211delTCT variant (also known as p.F70del) is located in coding exon 2 of the BARD1 gene. This variant results from an in-frame TCT deletion at nucleotide positions 209 to 211. This results in the in-frame deletion of a phenylalanine at codon 70. This amino acid position is highly conserved in available vertebrate species. In addition, this alteration is predicted to be deleterious by in silico analysis (Choi Y et al. PLoS ONE. 2012; 7(10):e46688). Since supporting evidence is limited at this time, the clinical significance of this alteration remains unclear.

NM_000465.4(BARD1):c.206TCT[1] (p.Phe70del)

Gene: BARD1 (BRCA1 associated RING domain 1; minus strand). Cytogenetic location: 2q35.
Variant type: Microsatellite.
Coding change: c.206TCT[1] on transcript NM_000465.4 (MANE Select); one copy of the 3-base unit TCT starting at c.206; the reference has two copies in a row; one copy, 3 bases deleted.
Protein change: p.Phe70del; deletes phenylalanine 70.
Molecular consequence: inframe deletion. On other transcripts: non-coding transcript variant (2), intron variant (2).
Genome position (GRCh38, 1-based): chr2:214,797,065-214,797,067, AGA deleted on the plus strand (TCT on the coding strand, the reverse complement: BARD1 is on the minus strand); deleting any 3 consecutive bases within chr2:214,797,065-214,797,070 gives the same sequence; the position shown is the placement nearest the transcript's 3' end. VCF-style (leftmost placement, unchanged base first): chr2-214797064-CAGA-C. GRCh37 (hg19) VCF-style: chr2-215661788-CAGA-C.
Other names: c.206TCT[1], p.Phe70del (NM_001282545.2, NM_001282549.2); c.158+12345_158+12347del (NM_001282548.2); c.159-4622_159-4620del (NM_001282543.2); c.209_211delTCT (NM_000465.2); short protein forms F70del.
Identifiers: ClinVar variation 406717 (VCV000406717.10), dbSNP rs1060501268, ClinGen allele CA16610663.